The following is an entry in ClinVar:

NM_007317.3(KIF22):c.770G>A (p.Arg257Gln)

Gene: KIF22 (kinesin family member 22; plus strand). Cytogenetic location: 16p11.2.
Variant type: single nucleotide variant.
Coding change: c.770G>A on transcript NM_007317.3 (MANE Select); coding-DNA position 770, G replaced by A.
Protein change: p.Arg257Gln; replaces arginine 257 with glutamine.
Molecular consequence: missense variant.
Genome position (GRCh38, 1-based): chr16:29,799,274, G>A. VCF-style: chr16-29799274-G-A. GRCh37 (hg19) VCF-style: chr16-29810595-G-A.
Other names: c.566G>A, p.Arg189Gln (NM_001256269.2, NM_001256270.1); short protein forms R189Q, R257Q.
Identifiers: ClinVar variation 730140 (VCV000730140.10), dbSNP rs765346261, ClinGen allele CA7993092.
Genomic context (GRCh38, chr16:29,799,274, plus strand): 5'-GGAAGCCCAGGAGCCTGAGCTAAGCACGAGACCTTTGTTCTTACCCCCAGGTGGACCAGC[G>A]GGAACGTTTGGCCCCATTTCGCCAGCGAGAGGGAAAACTCTACCTGATTGACTTGGCTGG-3'
Protein context (NP_015556.1, residues 247-267): HAVLLVKVDQ[Arg257Gln]ERLAPFRQRE

ClinVar aggregate classification (germline): Benign/Likely benign. Review status: criteria provided, multiple submitters, no conflicts (2 of 4 stars). 3 submissions from 3 submitters: Benign (1); Likely benign (2). Last evaluated 2025-12-08.

Conditions:
KIF22-related disorder. Also called: KIF22-related condition.

Allele frequency attached by ClinVar (database versions not stated): gnomAD 0.00004 and 0.00008; TOPMed 0.00007; gnomAD exomes 0.00017 and 0.00029; ExAC 0.00035.
gnomAD v4.1: 263 of 1,613,650 alleles (0.016%); highest among the groups gnomAD compares: Middle Eastern, 0.26%; 4 homozygotes.

Submissions (3):

PreventionGenetics, part of Exact Sciences
Classification: Likely benign for KIF22-related condition. Last evaluated: 2025-12-08. Review status: criteria provided, single submitter. Criteria: ACMG Guidelines, 2015. Collection method: clinical testing. Allele origin: germline.
Comment: This variant is classified as likely benign based on ACMG/AMP sequence variant interpretation guidelines (Richards et al. 2015 PMID: 25741868, with internal and published modifications).

Labcorp Genetics (formerly Invitae), Labcorp
Classification: Benign. Last evaluated: 2025-11-03. Review status: criteria provided, single submitter. Criteria: Invitae Variant Classification Sherloc (09022015). Collection method: clinical testing. Allele origin: germline.

Blueprint Genetics
Classification: Likely benign. Last evaluated: 2024-04-08. Review status: criteria provided, single submitter. Criteria: ACMG Guidelines, 2015. Collection method: clinical testing. Allele origin: germline.